The following is an entry in ClinVar:

ClinVar aggregate classification (germline): Uncertain significance (1 of 4 stars; one submission).

Conditions:
Hereditary cancer-predisposing syndrome. Also called: Hereditary Cancer Syndrome; Neoplastic Syndromes, Hereditary; Tumor predisposition; Hereditary neoplastic syndrome. Identifiers: Orphanet 140162, MedGen C0027672, MeSH D009386, MONDO:0015356.

Submission:

Ambry Genetics
Classification: Uncertain significance for Hereditary cancer-predisposing syndrome. Last evaluated: 2020-09-25. Review status: criteria provided, single submitter. Criteria: Ambry Variant Classification Scheme 2023. Collection method: clinical testing. Allele origin: germline.
Comment: The p.F162S variant (also known as c.485T>C), located in coding exon 4 of the SDHAF2 gene, results from a T to C substitution at nucleotide position 485. The phenylalanine at codon 162 is replaced by serine, an amino acid with highly dissimilar properties. This amino acid position is highly conserved in available vertebrate species. In addition, the in silico prediction for this alteration is inconclusive. Since supporting evidence is limited at this time, the clinical significance of this alteration remains unclear.

NM_017841.4(SDHAF2):c.485T>C (p.Phe162Ser)

Gene: SDHAF2 (succinate dehydrogenase complex assembly factor 2; plus strand). Cytogenetic location: 11q12.2.
Variant type: single nucleotide variant.
Coding change: c.485T>C on transcript NM_017841.4 (MANE Select); coding-DNA position 485, T replaced by C.
Protein change: p.Phe162Ser; replaces phenylalanine 162 with serine.
Molecular consequence: missense variant.
Genome position (GRCh38, 1-based): chr11:61,446,055, T>C. VCF-style: chr11-61446055-T-C. GRCh37 (hg19) VCF-style: chr11-61213527-T-C.
Other names: short protein forms F162S.
Identifiers: ClinVar variation 1743633 (VCV001743633.2), dbSNP rs2540133156, ClinGen allele CA380685608.
Genomic context (GRCh38, chr11:61,446,055, plus strand): 5'-ACTTTGCTAAAAACAAAAACAAAGAGCAGAGACTGCGTGCCCCAGATCTTGAGTACCTCT[T>C]TGAAAAGCCACGTTGAGCTGTGCTCCACGGCCTGGCATGGGGGTTCAGTCTGTGGATGGT-3'
Protein context (NP_060311.1, residues 152-166): RLRAPDLEYL[Phe162Ser]EKPR